The following is an entry in ClinVar:

ClinVar aggregate classification (germline): Conflicting classifications of pathogenicity. Review status: criteria provided, conflicting classifications (1 of 4 stars). 3 submissions from 3 submitters: Likely pathogenic (1); Uncertain significance (2). Last evaluated 2026-02-28.

Allele frequency attached by ClinVar (database versions not stated): gnomAD exomes below 0.00001.
gnomAD v4.1: 4 of 1,613,928 alleles (0.00025%); highest among the groups gnomAD compares: Non-Finnish European, 0.00034%; no homozygotes.

Submissions (3):

GeneDx
Classification: Likely pathogenic. Last evaluated: 2026-02-28. Review status: criteria provided, single submitter. Criteria: GeneDx Variant Classification Process June 2021. Collection method: clinical testing. Allele origin: germline.
Comment: Not observed at significant frequency in large population cohorts (gnomAD); In silico analysis supports that this missense variant has a deleterious effect on protein structure/function; This variant is associated with the following publications: (PMID: 36515421)

Women's Health and Genetics/Laboratory Corporation of America, LabCorp
Classification: Uncertain significance. Last evaluated: 2024-04-22. Review status: criteria provided, single submitter. Criteria: LabCorp Variant Classification Summary - May 2015. Collection method: clinical testing. Allele origin: germline.
Comment: Variant summary: CDH23 c.6920A>G (p.Glu2307Gly) results in a non-conservative amino acid change in the encoded protein sequence. Five of five in-silico tools predict a damaging effect of the variant on protein function. The variant was absent in 249188 control chromosomes. The available data on variant occurrences in the general population are insufficient to allow any conclusion about variant significance. c.6920A>G has been reported in the literature in at least one individual affected with congenital severe-profound bilateral nonsyndromic deafness (Perry_2022). These data do not allow any conclusion about variant significance. To our knowledge, no experimental evidence demonstrating an impact on protein function has been reported. The following publication has been ascertained in the context of this evaluation (PMID: 36515421). ClinVar contains an entry for this variant (Variation ID: 2157621). Based on the evidence outlined above, the variant was classified as uncertain significance.

Labcorp Genetics (formerly Invitae), Labcorp
Classification: Uncertain significance. Last evaluated: 2022-06-15. Review status: criteria provided, single submitter. Criteria: Invitae Variant Classification Sherloc (09022015). Collection method: clinical testing. Allele origin: germline.
Comment: This sequence change replaces glutamic acid, which is acidic and polar, with glycine, which is neutral and non-polar, at codon 2307 of the CDH23 protein (p.Glu2307Gly). This variant is not present in population databases (gnomAD no frequency). This missense change has been observed in individual(s) with clinical features of CDH23-related conditions (Invitae). Algorithms developed to predict the effect of missense changes on protein structure and function are either unavailable or do not agree on the potential impact of this missense change (SIFT: "Deleterious"; PolyPhen-2: "Not Available"; Align-GVGD: "Class C65"). In summary, the available evidence is currently insufficient to determine the role of this variant in disease. Therefore, it has been classified as a Variant of Uncertain Significance.

Literature cited by the submitters: PubMed 36515421 (cited by Women's Health and Genetics/Laboratory Corporation of America, LabCorp).

NM_022124.6(CDH23):c.6920A>G (p.Glu2307Gly)

Gene: CDH23 (cadherin related 23; plus strand). Cytogenetic location: 10q22.1.
Variant type: single nucleotide variant.
Coding change: c.6920A>G on transcript NM_022124.6 (MANE Select); coding-DNA position 6920, A replaced by G.
Protein change: p.Glu2307Gly; replaces glutamic acid 2307 with glycine.
Molecular consequence: missense variant.
Genome position (GRCh38, 1-based): chr10:71,798,444, A>G. VCF-style: chr10-71798444-A-G. GRCh37 (hg19) VCF-style: chr10-73558201-A-G.
Other names: c.200A>G, p.Glu67Gly (NM_001171933.1, NM_001171934.1); c.6920A>G (NM_022124.5); short protein forms E67G, E2307G.
Identifiers: ClinVar variation 2157621 (VCV002157621.3), dbSNP rs2494400188, ClinGen allele CA377157934.